The following is an entry in ClinVar:

NM_003873.7(NRP1):c.709C>T (p.Arg237Ter)

Gene: NRP1 (neuropilin 1; minus strand). Cytogenetic location: 10p11.22.
Variant type: single nucleotide variant.
Coding change: c.709C>T on transcript NM_003873.7 (MANE Select); coding-DNA position 709, C replaced by T.
Protein change: p.Arg237Ter; replaces arginine 237 with a stop codon.
Molecular consequence: nonsense. On other transcripts: non-coding transcript variant (1).
Genome position (GRCh38, 1-based): chr10:33,256,421, G>A on the plus strand (C>T on the coding strand, the complement: NRP1 is on the minus strand). VCF-style: chr10-33256421-G-A. GRCh37 (hg19) VCF-style: chr10-33545349-G-A.
Other names: c.709C>T, p.Arg237Ter (NM_001024628.3, NM_001024629.3, NM_001244972.2 and 2 more transcripts); short protein forms R237*.
Identifiers: ClinVar variation 4985855 (VCV004985855.1).
Genomic context (GRCh38, chr10:33,256,421, plus strand): 5'-CTTCTTTTGCTATCGCGCTGTCGGTGTAAAAAACCATGGAGAGAATGCCCGATGAGGATC[G>A]GATTCGACCTGGTGTTTTCTGTCCACAGTAACGCCCAATGTGAGGGCCAACTGGAAAGGG-3'

ClinVar aggregate classification (germline): Uncertain significance (1 of 4 stars; one submission).

Conditions:
NRP1-related disorder. Also called: NRP1-related condition.

gnomAD v4.1: 1 of 1,614,162 alleles (0.000062%); highest among the groups gnomAD compares: Non-Finnish European, 0.000085%; no homozygotes.

Submission:

PreventionGenetics, part of Exact Sciences
Classification: Uncertain significance for NRP1-related condition. Last evaluated: 2025-09-23. Review status: criteria provided, single submitter. Criteria: ACMG Guidelines, 2015. Collection method: clinical testing. Allele origin: germline.
Comment: The NRP1 c.709C>T variant is predicted to result in premature protein termination (p.Arg237*). To our knowledge, this variant has not been reported in the literature or in a large population database (gnomAD), indicating this variant is rare. Loss-of-function has not been established as a disease mechanism for this gene, and therefore the clinical significance of this variant is currently uncertain due to the absence of conclusive functional and genetic evidence.